The following is an entry in ClinVar:

ClinVar aggregate classification (germline): Uncertain significance. Review status: criteria provided, multiple submitters, no conflicts (2 of 4 stars). 2 submissions from 2 submitters: Uncertain significance (2). Last evaluated 2025-06-24.

Conditions:
Hereditary cancer-predisposing syndrome. Also called: Neoplastic Syndromes, Hereditary; Tumor predisposition; Hereditary neoplastic syndrome; Hereditary Cancer Syndrome. Identifiers: Orphanet 140162, MedGen C0027672, MeSH D009386, MONDO:0015356.

Allele frequency attached by ClinVar (database versions not stated): gnomAD 0.00001; TOPMed 0.00001.
gnomAD v4.1: 1 of 1,613,564 alleles (0.000062%); highest among the groups gnomAD compares: African/African-American, 0.0013%; no homozygotes.

Submissions (2):

Labcorp Genetics (formerly Invitae), Labcorp
Classification: Uncertain significance. Last evaluated: 2025-06-24. Review status: criteria provided, single submitter. Criteria: Invitae Variant Classification Sherloc (09022015). Collection method: clinical testing. Allele origin: germline.
Comment: This sequence change replaces isoleucine, which is neutral and non-polar, with valine, which is neutral and non-polar, at codon 27 of the XRCC2 protein (p.Ile27Val). This variant is present in population databases (no rsID available, gnomAD 0.01%). This variant has not been reported in the literature in individuals affected with XRCC2-related conditions. ClinVar contains an entry for this variant (Variation ID: 827376). Invitae Evidence Modeling of protein sequence and biophysical properties (such as structural, functional, and spatial information, amino acid conservation, physicochemical variation, residue mobility, and thermodynamic stability) indicates that this missense variant is not expected to disrupt XRCC2 protein function with a negative predictive value of 80%. In summary, the available evidence is currently insufficient to determine the role of this variant in disease. Therefore, it has been classified as a Variant of Uncertain Significance.

Ambry Genetics
Classification: Uncertain significance for Hereditary cancer-predisposing syndrome. Last evaluated: 2024-12-17. Review status: criteria provided, single submitter. Criteria: Ambry Variant Classification Scheme 2023. Collection method: clinical testing. Allele origin: germline.
Comment: The p.I27V variant (also known as c.79A>G), located in coding exon 2 of the XRCC2 gene, results from an A to G substitution at nucleotide position 79. The isoleucine at codon 27 is replaced by valine, an amino acid with highly similar properties. This amino acid position is not well conserved in available vertebrate species. In addition, this alteration is predicted to be tolerated by in silico analysis. Since supporting evidence is limited at this time, the clinical significance of this alteration remains unclear.

NM_005431.2(XRCC2):c.79A>G (p.Ile27Val)

Gene: XRCC2 (X-ray repair cross complementing 2; minus strand). Cytogenetic location: 7q36.1.
Variant type: single nucleotide variant.
Coding change: c.79A>G on transcript NM_005431.2 (MANE Select); coding-DNA position 79, A replaced by G.
Protein change: p.Ile27Val; replaces isoleucine 27 with valine.
Molecular consequence: missense variant.
Genome position (GRCh38, 1-based): chr7:152,660,743, T>C on the plus strand (A>G on the coding strand, the complement: XRCC2 is on the minus strand). VCF-style: chr7-152660743-T-C. GRCh37 (hg19) VCF-style: chr7-152357828-T-C.
Other names: short protein forms I27V.
Identifiers: ClinVar variation 827376 (VCV000827376.14), dbSNP rs1005181554, ClinGen allele CA169488182.